The following is an entry in ClinVar:

ClinVar aggregate classification (germline): Likely pathogenic (1 of 4 stars; one submission).

Submission:

GeneDx
Classification: Likely pathogenic. Last evaluated: 2016-09-29. Review status: criteria provided, single submitter. Criteria: GeneDx Variant Classification (06012015). Collection method: clinical testing. Allele origin: germline. Affected: yes.
Comment: The S630R variant in the CACNA1G gene has not been reported previously as a pathogenic variant, nor as a benign variant, to our knowledge. The S630R variant was not observed in approximately 6200 individuals of European and African American ancestry in the NHLBI Exome Sequencing Project, indicating it is not a common benign variant in these populations. The S630R variant is a semi-conservative amino acid substitution, which may impact secondary protein structure as these residues differ in some properties. This substitution occurs at a position that is not conserved, and in silico analysis is inconsistent in its predictions as to whether or not the variant is damaging to the protein structure/function. As an alternate mechanism, multiple in silico algorithms predict that c.1890 C>G (aka S630R) might create a cryptic acceptor site in intron 8 which may supplant the natural acceptor site. However, in the absence of RNA/functional studies, the actual effect of c.1890 C>G in this individual is unknown. The S630R variant is a strong candidate for a pathogenic variant, however the possibility it may be a rare benign variant cannot be excluded.

NM_018896.5(CACNA1G):c.1890C>G (p.Ser630Arg)

Gene: CACNA1G (calcium voltage-gated channel subunit alpha1 G; plus strand). Cytogenetic location: 17q21.33.
Variant type: single nucleotide variant.
Coding change: c.1890C>G on transcript NM_018896.5 (MANE Select); coding-DNA position 1890, C replaced by G.
Protein change: p.Ser630Arg; replaces serine 630 with arginine.
Molecular consequence: missense variant. On other transcripts: non-coding transcript variant (5).
Genome position (GRCh38, 1-based): chr17:50,576,292, C>G. VCF-style: chr17-50576292-C-G. GRCh37 (hg19) VCF-style: chr17-48653653-C-G.
Other names: c.1890C>G, p.Ser630Arg (NM_001256324.2, NM_001256325.2, NM_001256326.2 and 24 more transcripts); short protein forms S630R.
Identifiers: ClinVar variation 422268 (VCV000422268.2), dbSNP rs1064795668, ClinGen allele CA16620479.